The following is an entry in ClinVar:

NM_001904.4(CTNNB1):c.118A>G (p.Thr40Ala)

Genes: CTNNB1 (catenin beta 1; plus strand), LOC126806658 (BRD4-independent group 4 enhancer GRCh37_chr3:41265899-41267098; plus strand). Cytogenetic location: 3p22.1.
Variant type: single nucleotide variant.
Coding change: c.118A>G on transcript NM_001904.4 (MANE Select); coding-DNA position 118, A replaced by G.
Protein change: p.Thr40Ala; replaces threonine 40 with alanine.
Molecular consequence: missense variant.
Genome position (GRCh38, 1-based): chr3:41,224,630, A>G. VCF-style: chr3-41224630-A-G. GRCh37 (hg19) VCF-style: chr3-41266121-A-G.
Other names: c.118A>G, p.Thr40Ala (NM_001098209.2, NM_001098210.2); c.97A>G, p.Thr33Ala (NM_001330729.2); short protein forms T40A, T33A.
Identifiers: ClinVar variation 4715582 (VCV004715582.1), dbSNP rs1057519836.

ClinVar aggregate classification (germline): Uncertain significance (1 of 4 stars; one submission).

Submission:

Labcorp Genetics (formerly Invitae), Labcorp
Classification: Uncertain significance. Last evaluated: 2025-12-18. Review status: criteria provided, single submitter. Criteria: Invitae Variant Classification Sherloc (09022015). Collection method: clinical testing. Allele origin: germline.
Comment: This sequence change replaces threonine, which is neutral and polar, with alanine, which is neutral and non-polar, at codon 40 of the CTNNB1 protein (p.Thr40Ala). This variant is not present in population databases (gnomAD no frequency). This variant has not been reported in the literature in individuals affected with CTNNB1-related conditions. Invitae Evidence Modeling of protein sequence and biophysical properties (such as structural, functional, and spatial information, amino acid conservation, physicochemical variation, residue mobility, and thermodynamic stability) indicates that this missense variant is not expected to disrupt CTNNB1 protein function with a negative predictive value of 80%. In summary, the available evidence is currently insufficient to determine the role of this variant in disease. Therefore, it has been classified as a Variant of Uncertain Significance.